The following is an entry in ClinVar:

NM_015331.3(NCSTN):c.1847G>A (p.Arg616Gln)

Gene: NCSTN (nicastrin; plus strand). Cytogenetic location: 1q23.2.
Variant type: single nucleotide variant.
Coding change: c.1847G>A on transcript NM_015331.3 (MANE Select); coding-DNA position 1847, G replaced by A.
Protein change: p.Arg616Gln; replaces arginine 616 with glutamine.
Molecular consequence: missense variant. On other transcripts: intron variant (1).
Genome position (GRCh38, 1-based): chr1:160,357,093, G>A. VCF-style: chr1-160357093-G-A. GRCh37 (hg19) VCF-style: chr1-160326883-G-A.
Other names: c.1787G>A, p.Arg596Gln (NM_001290184.2); c.1433G>A, p.Arg478Gln (NM_001290186.2); c.1794+339G>A (NM_001349729.2); short protein forms R478Q, R596Q, R616Q.
Identifiers: ClinVar variation 4704292 (VCV004704292.1).

ClinVar aggregate classification (germline): Uncertain significance (1 of 4 stars; one submission).

Submission:

Labcorp Genetics (formerly Invitae), Labcorp
Classification: Uncertain significance. Last evaluated: 2025-10-21. Review status: criteria provided, single submitter. Criteria: Invitae Variant Classification Sherloc (09022015). Collection method: clinical testing. Allele origin: germline.
Comment: This sequence change replaces arginine, which is basic and polar, with glutamine, which is neutral and polar, at codon 616 of the NCSTN protein (p.Arg616Gln). The frequency data for this variant in the population databases is considered unreliable, as metrics indicate poor data quality at this position in the gnomAD database. This variant has not been reported in the literature in individuals affected with NCSTN-related conditions. Invitae Evidence Modeling of protein sequence and biophysical properties (such as structural, functional, and spatial information, amino acid conservation, physicochemical variation, residue mobility, and thermodynamic stability) indicates that this missense variant is not expected to disrupt NCSTN protein function with a negative predictive value of 80%. In summary, the available evidence is currently insufficient to determine the role of this variant in disease. Therefore, it has been classified as a Variant of Uncertain Significance.